The following is an entry in ClinVar:

ClinVar aggregate classification (germline): Likely benign (1 of 4 stars; one submission).

Allele frequency attached by ClinVar (database versions not stated): 1000 Genomes Project 30x 0.01296; 1000 Genomes Project 0.01298; gnomAD 0.01560 and 0.01651; TOPMed 0.01604.
gnomAD v4.1: 2,545 of 152,354 alleles (1.7%); highest among the groups gnomAD compares: Middle Eastern, 7.5%; 38 homozygotes.

Submission:

GeneDx
Classification: Likely benign. Last evaluated: 2018-06-19. Review status: criteria provided, single submitter. Criteria: GeneDx Variant Classification (06012015). Collection method: clinical testing. Allele origin: germline. Affected: yes.
Comment: This variant is considered likely benign or benign based on one or more of the following criteria: it is a conservative change, it occurs at a poorly conserved position in the protein, it is predicted to be benign by multiple in silico algorithms, and/or has population frequency not consistent with disease.

NM_017617.5(NOTCH1):c.865+251G>A

Gene: NOTCH1 (notch receptor 1; minus strand). Cytogenetic location: 9q34.3.
Variant type: single nucleotide variant.
Coding change: c.865+251G>A on transcript NM_017617.5 (MANE Select); 251 bases into the intron after coding-DNA position 865, G replaced by A.
Molecular consequence: intron variant.
Genome position (GRCh38, 1-based): chr9:136,519,192, C>T on the plus strand (G>A on the coding strand, the complement: NOTCH1 is on the minus strand). VCF-style: chr9-136519192-C-T. GRCh37 (hg19) VCF-style: chr9-139413644-C-T.
Identifiers: ClinVar variation 680856 (VCV000680856.1), dbSNP rs146264157, ClinGen allele CA13041487.